The following is an entry in ClinVar:

NM_201384.3(PLEC):c.9120C>T (p.Ile3040=)

Gene: PLEC (plectin; minus strand). Cytogenetic location: 8q24.3.
Variant type: single nucleotide variant.
Coding change: c.9120C>T on transcript NM_201384.3 (MANE Select); coding-DNA position 9120, C replaced by T.
Protein change: p.Ile3040=; no amino-acid change (isoleucine 3040 retained).
Molecular consequence: synonymous variant.
Genome position (GRCh38, 1-based): chr8:143,920,701, G>A on the plus strand (C>T on the coding strand, the complement: PLEC is on the minus strand). VCF-style: chr8-143920701-G-A. GRCh37 (hg19) VCF-style: chr8-144994869-G-A.
Other names: c.9201C>T, p.Ile3067= (NM_000445.5); c.5820C>T, p.Ile1940= (NM_001410941.1); c.9078C>T, p.Ile3026= (NM_201378.4); c.9054C>T, p.Ile3018= (NM_201379.3); c.9531C>T, p.Ile3177= (NM_201380.4); c.9024C>T, p.Ile3008= (NM_201381.3); c.9120C>T, p.Ile3040= (NM_201382.4); c.9132C>T, p.Ile3044= (NM_201383.3).
Identifiers: ClinVar variation 2684305 (VCV002684305.1), dbSNP rs1194685435, ClinGen allele CA463531200.
Genomic context (GRCh38, chr8:143,920,701, plus strand): 5'-GGCTTCCAACAGGGCCACGGCCATGTCGGATGGCAGCAGGTCTTTCTTCAGGGCATTGTA[G>A]ATACTCAGCTTCTGCCCCGCCTCCTCCAGCCATACACCCGCGATGACGTTGGCACCCCGG-3'
Protein context (NP_958786.1, residues 3030-3050): WLEEAGQKLS[Ile3040=]YNALKKDLLP

ClinVar aggregate classification (germline): Uncertain significance (1 of 4 stars; one submission).

Allele frequency attached by ClinVar (database versions not stated): TOPMed below 0.00001; gnomAD exomes 0.00001.
gnomAD v4.1: 8 of 1,602,782 alleles (0.0005%); highest among the groups gnomAD compares: East Asian, 0.0022%; no homozygotes.

Submission:

Athena Diagnostics
Classification: Uncertain significance. Last evaluated: 2022-11-04. Review status: criteria provided, single submitter. Criteria: Athena Diagnostics Criteria. Collection method: clinical testing. Allele origin: unknown.
Comment: Available data are insufficient to determine the clinical significance of the variant at this time. This variant has not been reported in large, multi-ethnic general populations. Computational tools yielded predictions that this variant is unlikely to have an effect on normal RNA splicing.